The following is an entry in ClinVar:

NM_021871.4(FGA):c.163T>C (p.Cys55Arg)

Gene: FGA (fibrinogen alpha chain; minus strand). Cytogenetic location: 4q31.3.
Variant type: single nucleotide variant.
Coding change: c.163T>C on transcript NM_021871.4 (MANE Select); coding-DNA position 163, T replaced by C.
Protein change: p.Cys55Arg; replaces cysteine 55 with arginine.
Molecular consequence: missense variant.
Genome position (GRCh38, 1-based): chr4:154,589,454, A>G on the plus strand (T>C on the coding strand, the complement: FGA is on the minus strand). VCF-style: chr4-154589454-A-G. GRCh37 (hg19) VCF-style: chr4-155510606-A-G.
Other names: p.Cys55Arg; c.163T>C, p.Cys55Arg (NM_000508.5); short protein forms C55R.
Identifiers: ClinVar variation 2683312 (VCV002683312.1), dbSNP rs2530829969, ClinGen allele CA358533669.

ClinVar aggregate classification (germline): Pathogenic (1 of 4 stars; one submission).

Submission:

Mayo Clinic Laboratories, Mayo Clinic
Classification: Pathogenic. Last evaluated: 2022-07-18. Review status: criteria provided, single submitter. Criteria: ACMG Guidelines, 2015. Collection method: clinical testing. Allele origin: germline. Observed: 2 variant alleles.
Comment: PP3, PM1, PM2, PS3, PS4_moderate